The following is an entry in ClinVar:

ClinVar aggregate classification (germline): Uncertain significance. Review status: criteria provided, multiple submitters, no conflicts (2 of 4 stars). 2 submissions from 2 submitters: Uncertain significance (2). Last evaluated 2021-12-26.

Allele frequency attached by ClinVar (database versions not stated): gnomAD exomes below 0.00001.
gnomAD v4.1: 15 of 1,613,642 alleles (0.00093%); highest among the groups gnomAD compares: Admixed American, 0.0017%; no homozygotes.

Submissions (2):

Blueprint Genetics
Classification: Uncertain significance. Last evaluated: 2021-12-26. Review status: criteria provided, single submitter. Criteria: ACMG Guidelines, 2015. Collection method: clinical testing. Allele origin: germline.

Labcorp Genetics (formerly Invitae), Labcorp
Classification: Uncertain significance. Last evaluated: 2019-09-30. Review status: criteria provided, single submitter. Criteria: Invitae Variant Classification Sherloc (09022015). Collection method: clinical testing. Allele origin: germline.
Comment: This sequence change replaces arginine with histidine at codon 817 of the LRP5 protein (p.Arg817His). The arginine residue is highly conserved and there is a small physicochemical difference between arginine and histidine. This variant is not present in population databases (ExAC no frequency). This variant has not been reported in the literature in individuals with LRP5-related conditions. Algorithms developed to predict the effect of missense changes on protein structure and function (SIFT, PolyPhen-2, Align-GVGD) all suggest that this variant is likely to be disruptive, but these predictions have not been confirmed by published functional studies and their clinical significance is uncertain. In summary, the available evidence is currently insufficient to determine the role of this variant in disease. Therefore, it has been classified as a Variant of Uncertain Significance.

NM_002335.4(LRP5):c.2450G>A (p.Arg817His)

Gene: LRP5 (LDL receptor related protein 5; plus strand). Cytogenetic location: 11q13.2.
Variant type: single nucleotide variant.
Coding change: c.2450G>A on transcript NM_002335.4 (MANE Select); coding-DNA position 2450, G replaced by A.
Protein change: p.Arg817His; replaces arginine 817 with histidine.
Molecular consequence: missense variant.
Genome position (GRCh38, 1-based): chr11:68,411,567, G>A. VCF-style: chr11-68411567-G-A. GRCh37 (hg19) VCF-style: chr11-68179035-G-A.
Other names: c.707G>A, p.Arg236His (NM_001291902.2); short protein forms R817H, R236H.
Identifiers: ClinVar variation 960170 (VCV000960170.10), dbSNP rs1159453402, ClinGen allele CA381617243.